The following is an entry in ClinVar:

ClinVar aggregate classification (germline): Uncertain significance (1 of 4 stars; one submission).

Conditions:
Joubert syndrome 25 (JBTS25). Identifiers: Orphanet 475, MedGen C4084842, MONDO:0014770, OMIM 616781.

Allele frequency attached by ClinVar (database versions not stated): gnomAD 0.00009 and 0.00015; gnomAD exomes 0.00014 and 0.00032; TOPMed 0.00014; ESP Exome Variant Server 0.00015; 1000 Genomes Project 30x 0.00016; ExAC 0.00017; 1000 Genomes Project 0.00020.
gnomAD v4.1: 477 of 1,611,184 alleles (0.03%); highest among the groups gnomAD compares: East Asian, 0.91%; 6 homozygotes.

Submission:

Labcorp Genetics (formerly Invitae), Labcorp
Classification: Uncertain significance for Joubert syndrome 25. Last evaluated: 2022-11-01. Review status: criteria provided, single submitter. Criteria: Invitae Variant Classification Sherloc (09022015). Collection method: clinical testing. Allele origin: germline.
Comment: In summary, the available evidence is currently insufficient to determine the role of this variant in disease. Therefore, it has been classified as a Variant of Uncertain Significance. Algorithms developed to predict the effect of missense changes on protein structure and function (SIFT, PolyPhen-2, Align-GVGD) all suggest that this variant is likely to be tolerated. This sequence change replaces arginine, which is basic and polar, with glutamine, which is neutral and polar, at codon 91 of the CEP104 protein (p.Arg91Gln). This variant is present in population databases (rs200411994, gnomAD 0.1%). This variant has not been reported in the literature in individuals affected with CEP104-related conditions. ClinVar contains an entry for this variant (Variation ID: 1021948).

NM_014704.4(CEP104):c.272G>A (p.Arg91Gln)

Gene: CEP104 (centrosomal protein 104; minus strand). Cytogenetic location: 1p36.32.
Variant type: single nucleotide variant.
Coding change: c.272G>A on transcript NM_014704.4 (MANE Select); coding-DNA position 272, G replaced by A.
Protein change: p.Arg91Gln; replaces arginine 91 with glutamine.
Molecular consequence: missense variant.
Genome position (GRCh38, 1-based): chr1:3,848,623, C>T on the plus strand (G>A on the coding strand, the complement: CEP104 is on the minus strand). VCF-style: chr1-3848623-C-T. GRCh37 (hg19) VCF-style: chr1-3765187-C-T.
Other names: short protein forms R91Q.
Identifiers: ClinVar variation 1021948 (VCV001021948.6), dbSNP rs200411994, ClinGen allele CA552020.